The following is an entry in ClinVar:

ClinVar aggregate classification (germline): Conflicting classifications of pathogenicity. Review status: criteria provided, conflicting classifications (1 of 4 stars). 2 submissions from 2 submitters: Uncertain significance (1); Likely benign (1). Last evaluated 2025-04-09.

Allele frequency attached by ClinVar (database versions not stated): ExAC 0.00003; gnomAD exomes 0.00005; gnomAD 0.00006 and 0.00009; TOPMed 0.00007.
gnomAD v4.1: 76 of 1,611,060 alleles (0.0047%); highest among the groups gnomAD compares: Middle Eastern, 0.18%; no homozygotes.

Submissions (2):

Molecular Diagnostic Laboratory for Inherited Cardiovascular Disease, Montreal Heart Institute
Classification: Likely benign. Last evaluated: 2025-04-09. Review status: criteria provided, single submitter. Criteria: ACMG Guidelines, 2015. Collection method: clinical testing. Allele origin: germline. Affected: no.

Laboratory for Molecular Medicine, Mass General Brigham Personalized Medicine
Classification: Uncertain significance. Last evaluated: 2012-10-16. Review status: criteria provided, single submitter. Criteria: LMM Criteria. Collection method: clinical testing. Allele origin: germline. Observed: 1 variant allele.
Comment: The Leu4402Phe variant in TTN has not been reported in the literature nor previo usly identified by our laboratory. Computational analyses are limited or unavail able for this variant. Additional studies are needed to fully assess the clinica l significance of this variant.

NM_133379.5(TTN):c.13204C>T (p.Leu4402Phe)

Gene: TTN (titin; minus strand). Cytogenetic location: 2q31.2.
Variant type: single nucleotide variant.
Coding change: c.13204C>T on transcript NM_133379.5; coding-DNA position 13204, C replaced by T.
Protein change: p.Leu4402Phe; replaces leucine 4402 with phenylalanine.
Molecular consequence: missense variant. On other transcripts: intron variant (6).
Genome position (GRCh38, 1-based): chr2:178,749,196, G>A on the plus strand (C>T on the coding strand, the complement: TTN is on the minus strand). VCF-style: chr2-178749196-G-A. GRCh37 (hg19) VCF-style: chr2-179613923-G-A.
Other names: c.10222+3928C>T (NM_003319.4); c.10798+3928C>T (NM_133437.4); c.10597+3928C>T (NM_133432.3); c.10360+3928C>T (NM_133378.4, NM_001256850.1); c.11311+3928C>T (NM_001267550.2); c.13204C>T (NM_133379.4); short protein forms L4402F.
Identifiers: ClinVar variation 47747 (VCV000047747.6), dbSNP rs370602665, ClinGen allele CA141820.